The following is an entry in ClinVar:

NM_000243.3(MEFV):c.524C>A (p.Pro175His)

Gene: MEFV (MEFV innate immunity regulator, pyrin; minus strand). Cytogenetic location: 16p13.3.
Variant type: single nucleotide variant.
Coding change: c.524C>A on transcript NM_000243.3 (MANE Select); coding-DNA position 524, C replaced by A.
Protein change: p.Pro175His; replaces proline 175 with histidine.
Molecular consequence: missense variant. On other transcripts: intron variant (1).
Genome position (GRCh38, 1-based): chr16:3,254,544, G>T on the plus strand (C>A on the coding strand, the complement: MEFV is on the minus strand). VCF-style: chr16-3254544-G-T. GRCh37 (hg19) VCF-style: chr16-3304544-G-T.
Other names: c.277+1767C>A (NM_001198536.2); short protein forms P175H.
Identifiers: ClinVar variation 97527 (VCV000097527.21), dbSNP rs104895126, ClinGen allele CA280615.

ClinVar aggregate classification (germline): Conflicting classifications of pathogenicity. Review status: criteria provided, conflicting classifications (1 of 4 stars). 10 submissions from 8 submitters: Uncertain significance (6); Likely benign (2). 2 of the submissions do not count toward it. Last evaluated 2024-12-18.

Conditions:
Acute febrile neutrophilic dermatosis (AFND). Also called: Gomm Button disease; Sweet Syndrome. Identifiers: Orphanet 3243, MedGen C0085077, MONDO:0011959, OMIM 608068.
Autoinflammatory syndrome. Identifiers: Orphanet 93665, MedGen C3890737, MONDO:0019751.
Familial Mediterranean fever (FMF). Also called: POLYSEROSITIS, FAMILIAL PAROXYSMAL; POLYSEROSITIS, RECURRENT; Periodic peritonitis; Benign paroxysmal peritonitis. Identifiers: Orphanet 342, MedGen C0031069, MONDO:0018088, OMIM 249100. Disease mechanism: gain of function.
Familial Mediterranean fever, autosomal dominant. Also called: FMF, AUTOSOMAL DOMINANT; Dominant Familial Mediterranean Fever. Identifiers: Orphanet 342, MedGen C1851347, MONDO:0007601, OMIM 134610.

Allele frequency attached by ClinVar (database versions not stated): gnomAD exomes 0.00002 and 0.00005; TOPMed 0.00002; ExAC below 0.00001; gnomAD 0.00001.

Submissions (10):

Labcorp Genetics (formerly Invitae), Labcorp
Classification: Uncertain significance for Familial Mediterranean fever. Last evaluated: 2024-12-18. Review status: criteria provided, single submitter. Criteria: Invitae Variant Classification Sherloc (09022015). Collection method: clinical testing. Allele origin: germline.
Comment: This sequence change replaces proline, which is neutral and non-polar, with histidine, which is basic and polar, at codon 175 of the MEFV protein (p.Pro175His). The frequency data for this variant in the population databases is considered unreliable, as metrics indicate poor data quality at this position in the gnomAD database. This variant has not been reported in the literature in individuals affected with MEFV-related conditions. ClinVar contains an entry for this variant (Variation ID: 97527). An algorithm developed to predict the effect of missense changes on protein structure and function (PolyPhen-2) suggests that this variant¬†is likely to be tolerated. In summary, the available evidence is currently insufficient to determine the role of this variant in disease. Therefore, it has been classified as a Variant of Uncertain Significance.

Women's Health and Genetics/Laboratory Corporation of America, LabCorp
Classification: Uncertain significance. Last evaluated: 2024-12-10. Review status: criteria provided, single submitter. Criteria: LabCorp Variant Classification Summary - May 2015. Collection method: clinical testing. Allele origin: germline.
Comment: Variant summary: MEFV c.524C>A (p.Pro175His) results in a non-conservative amino acid change in the encoded protein sequence. Three of five in-silico tools predict a benign effect of the variant on protein function. The variant allele was found at a frequency of 1.5e-05 in 1550910 control chromosomes in the gnomAD database (v4.1 dataset). This frequency is not higher than the maximum estimated for a pathogenic variant in MEFV causing Familial Mediterranean Fever (0.022), allowing no conclusion about variant significance. To our knowledge, no occurrence of c.524C>A in individuals affected with Familial Mediterranean Fever and no experimental evidence demonstrating its impact on protein function have been reported. ClinVar contains an entry for this variant (Variation ID: 97527). Based on the evidence outlined above, the variant was classified as uncertain significance.

Fulgent Genetics
Classification: Uncertain significance for Familial Mediterranean fever, autosomal dominant; Familial Mediterranean fever; Acute febrile neutrophilic dermatosis. Last evaluated: 2024-04-01. Review status: criteria provided, single submitter. Criteria: ACMG Guidelines, 2015. Collection method: clinical testing. Allele origin: germline.

Genome-Nilou Lab
Classification: Uncertain significance for Familial Mediterranean fever. Last evaluated: 2023-02-08. Review status: criteria provided, single submitter. Criteria: ACMG Guidelines, 2015. Collection method: clinical testing. Allele origin: germline.

Genome-Nilou Lab
Classification: Likely benign for Familial Mediterranean fever, autosomal dominant. Last evaluated: 2023-02-08. Review status: criteria provided, single submitter. Criteria: ACMG Guidelines, 2015. Collection method: clinical testing. Allele origin: germline.

Genome-Nilou Lab
Classification: Likely benign for Acute febrile neutrophilic dermatosis. Last evaluated: 2023-02-08. Review status: criteria provided, single submitter. Criteria: ACMG Guidelines, 2015. Collection method: clinical testing. Allele origin: germline.

GeneDx
Classification: Uncertain significance. Last evaluated: 2020-07-15. Review status: criteria provided, single submitter. Criteria: GeneDx Variant Classification Process June 2021. Collection method: clinical testing. Allele origin: germline. Affected: yes.
Comment: In silico analysis supports that this missense variant does not alter protein structure/function; Has not been previously published as pathogenic or benign to our knowledge

Genome Diagnostics Laboratory, The Hospital for Sick Children
Classification: Uncertain significance for Autoinflammatory syndrome. Last evaluated: 2019-04-01. Review status: criteria provided, single submitter. Criteria: ACMG Guidelines, 2015. Collection method: clinical testing. Allele origin: germline. Affected: yes.

Natera, Inc.
Classification: Uncertain significance for Familial Mediterranean fever. Last evaluated: 2020-09-24. Review status: no assertion criteria provided. Collection method: clinical testing. Allele origin: germline. Not counted in ClinVar's aggregate classification.

Unité médicale des maladies autoinflammatoires, CHRU Montpellier
No classification provided. Condition: Familial Mediterranean fever. Review status: no classification provided. Collection method: not provided. Allele origin: unknown. Not counted in ClinVar's aggregate classification.